The following is an entry in ClinVar:

ClinVar aggregate classification (germline): Conflicting classifications of pathogenicity. Review status: criteria provided, conflicting classifications (1 of 4 stars). 2 submissions from 2 submitters: Uncertain significance (1); Likely benign (1). Last evaluated 2026-01-19.

Conditions:
Familial thoracic aortic aneurysm and aortic dissection (TAAD). Also called: Thoracic aortic aneurysms and dissections. Identifiers: Orphanet 91387, MedGen C4707243, MONDO:0019625.
Adams-Oliver syndrome 5 (AOS5). Identifiers: Orphanet 974, MedGen C4014970, MONDO:0014459, OMIM 616028.

Allele frequency attached by ClinVar (database versions not stated): ExAC 0.00002.

Submissions (2):

Labcorp Genetics (formerly Invitae), Labcorp
Classification: Likely benign for Adams-Oliver syndrome 5. Last evaluated: 2026-01-19. Review status: criteria provided, single submitter. Criteria: Invitae Variant Classification Sherloc (09022015). Collection method: clinical testing. Allele origin: germline.

Ambry Genetics
Classification: Uncertain significance for Familial thoracic aortic aneurysm and aortic dissection. Last evaluated: 2023-02-16. Review status: criteria provided, single submitter. Criteria: Ambry Variant Classification Scheme 2023. Collection method: clinical testing. Allele origin: germline.
Comment: The p.E2115Q variant (also known as c.6343G>C), located in coding exon 34 of the NOTCH1 gene, results from a G to C substitution at nucleotide position 6343. The glutamic acid at codon 2115 is replaced by glutamine, an amino acid with highly similar properties. This amino acid position is conserved. In addition, this alteration is predicted to be tolerated by in silico analysis. Since supporting evidence is limited at this time, the clinical significance of this alteration remains unclear.

NM_017617.5(NOTCH1):c.6343G>C (p.Glu2115Gln)

Gene: NOTCH1 (notch receptor 1; minus strand). Cytogenetic location: 9q34.3.
Variant type: single nucleotide variant.
Coding change: c.6343G>C on transcript NM_017617.5 (MANE Select); coding-DNA position 6343, G replaced by C.
Protein change: p.Glu2115Gln; replaces glutamic acid 2115 with glutamine.
Molecular consequence: missense variant.
Genome position (GRCh38, 1-based): chr9:136,497,396, C>G on the plus strand (G>C on the coding strand, the complement: NOTCH1 is on the minus strand). VCF-style: chr9-136497396-C-G. GRCh37 (hg19) VCF-style: chr9-139391848-C-G.
Other names: short protein forms E2115Q.
Identifiers: ClinVar variation 2452193 (VCV002452193.3), dbSNP rs777219891, ClinGen allele CA5339931.